The following is an entry in ClinVar:

ClinVar aggregate classification (germline): Uncertain significance (1 of 4 stars; one submission).

Conditions:
Primary ciliary dyskinesia. Also called: Ciliary dyskinesia. Identifiers: Orphanet 244, MedGen C0008780, MONDO:0016575, HP:0012265.

Submission:

Labcorp Genetics (formerly Invitae), Labcorp
Classification: Uncertain significance for Primary ciliary dyskinesia. Last evaluated: 2019-02-25. Review status: criteria provided, single submitter. Criteria: Invitae Variant Classification Sherloc (09022015). Collection method: clinical testing. Allele origin: germline.
Comment: This sequence change falls in intron 1 of the DNAH11 gene. It does not directly change the encoded amino acid sequence of the DNAH11 protein, but it affects a nucleotide within the consensus splice site of the intron. This variant is not present in population databases (ExAC no frequency). This variant has not been reported in the literature in individuals with DNAH11-related conditions. Nucleotide substitutions within the consensus splice site are a relatively common cause of aberrant splicing (PMID: 17576681, 9536098). Algorithms developed to predict the effect of sequence changes on RNA splicing suggest that this variant is not likely to affect RNA splicing, but this prediction has not been confirmed by published transcriptional studies. In summary, the available evidence is currently insufficient to determine the role of this variant in disease. Therefore, it has been classified as a Variant of Uncertain Significance.

NM_001277115.2(DNAH11):c.351+6A>T

Gene: DNAH11 (dynein axonemal heavy chain 11; plus strand). Cytogenetic location: 7p15.3.
Variant type: single nucleotide variant.
Coding change: c.351+6A>T on transcript NM_001277115.2 (MANE Select); 6 bases into the intron after coding-DNA position 351, A replaced by T.
Molecular consequence: intron variant.
Genome position (GRCh38, 1-based): chr7:21,543,602, A>T. VCF-style: chr7-21543602-A-T. GRCh37 (hg19) VCF-style: chr7-21583220-A-T.
Identifiers: ClinVar variation 862898 (VCV000862898.1), dbSNP rs1782674510, ClinGen allele CA916082916.
Genomic context (GRCh38, chr7:21,543,602, plus strand): 5'-GGCTTGCCTTGTGTTTAGCTTCGCCGCCTCGGGGCGCCTTGCGGCTTCCCAGGAGGTAAG[A>T]GGCGACGGGCAAGGGGACCTGCCCATCCAACAAAACTACCCAGGGGAGACAGCCCAGTCG-3'